The following is an entry in ClinVar:

NM_000548.5(TSC2):c.3G>A (p.Met1Ile)

Gene: TSC2 (TSC complex subunit 2; plus strand). Cytogenetic location: 16p13.3.
Variant type: single nucleotide variant.
Coding change: c.3G>A on transcript NM_000548.5 (MANE Select); coding-DNA position 3, G replaced by A.
Protein change: p.Met1Ile; changes the start codon (methionine 1).
Molecular consequence: missense variant, initiator codon variant. On other transcripts: 5 prime UTR variant (1), intron variant (1).
Genome position (GRCh38, 1-based): chr16:2,048,618, G>A. VCF-style: chr16-2048618-G-A. GRCh37 (hg19) VCF-style: chr16-2098619-G-A.
Other names: c.3G>A, p.Met1Ile (NM_001077183.3, NM_001114382.3, NM_001318827.2 and 4 more transcripts); c.-224G>A (NM_001318831.2); c.36G>A, p.Met12Ile (NM_001318832.2); c.-10+553G>A (NM_001318829.2); short protein forms M1I, M12I.
Identifiers: ClinVar variation 65284 (VCV000065284.6), dbSNP rs397515208, ClinGen allele CA019804.

ClinVar aggregate classification (germline): Likely pathogenic. Review status: criteria provided, single submitter (1 of 4 stars). 2 submissions from 2 submitters: Likely pathogenic (1). 1 of the submissions does not count toward it. Last evaluated 2023-03-31.

Conditions:
Tuberous sclerosis syndrome (TSC). Also called: Tuberous Sclerosis Complex; Tuberous sclerosis. Identifiers: Orphanet 805, MedGen C0041341, MONDO:0001734.
Tuberous sclerosis 2 (TSC2). Identifiers: Orphanet 805, MedGen C1860707, MONDO:0013199, OMIM 613254.

Submissions (2):

Labcorp Genetics (formerly Invitae), Labcorp
Classification: Likely pathogenic for Tuberous sclerosis 2. Last evaluated: 2023-03-31. Review status: criteria provided, single submitter. Criteria: Invitae Variant Classification Sherloc (09022015). Collection method: clinical testing. Allele origin: germline.
Comment: In summary, the currently available evidence indicates that the variant is pathogenic, but additional data are needed to prove that conclusively. Therefore, this variant has been classified as Likely Pathogenic. Experimental studies have shown that disruption of the initiator codon affects TSC2 function (PMID: 22903760). Algorithms developed to predict the effect of variants on protein structure and function are not available or were not evaluated for this variant. ClinVar contains an entry for this variant (Variation ID: 65284). Disruption of the initiator codon has been observed in individual(s) with clinical features of tuberous sclerosis complex (PMID: 22903760; Invitae). This variant is not present in population databases (gnomAD no frequency). This sequence change affects the initiator methionine of the TSC2 mRNA. The next in-frame methionine is located at codon 50.

Tuberous sclerosis database (TSC2)
No classification provided. Condition: TSC. Review status: no classification provided. Criteria: Tuberous Sclerosis Database Assertion Criteria 2015. Collection method: curation. Allele origin: germline. Affected: yes. Not counted in ClinVar's aggregate classification.

Literature cited by the submitters: PubMed 22903760 (cited by Labcorp Genetics (formerly Invitae), Labcorp).